The following is an entry in ClinVar:

ClinVar aggregate classification (germline): Uncertain significance. Review status: criteria provided, multiple submitters, no conflicts (2 of 4 stars). 4 submissions from 4 submitters: Uncertain significance (3). 1 of the submissions does not count toward it. Last evaluated 2025-10-10.

Conditions:
VPS13A-related neurodegenerative disease. Also called: ACANTHOCYTOSIS WITH NEUROLOGIC DISORDER; Choreaacanthocytosis; LEVINE-CRITCHLEY SYNDROME; VPS13A Disease; Choreoacanthocytosis; Chorea-acanthocytosis. Identifiers: Orphanet 2388, MedGen C0393576, MONDO:0008695, OMIM 200150.
Inborn genetic diseases. Identifiers: MedGen C0950123, MeSH D030342.

Allele frequency attached by ClinVar (database versions not stated): gnomAD exomes below 0.00001 and 0.00001; TOPMed 0.00001.
gnomAD v4.1: 9 of 1,614,086 alleles (0.00056%); highest among the groups gnomAD compares: Non-Finnish European, 0.00076%; no homozygotes.

Submissions (4):

Myriad Genetics, Inc.
Classification: Uncertain significance for VPS13A-related neurodegenerative disease. Last evaluated: 2025-10-10. Review status: criteria provided, single submitter. Criteria: Myriad Autosomal Dominant, Autosomal Recessive and X-Linked Classification Criteria (2023). Collection method: clinical testing. Allele origin: unknown.
Comment: NM_033305.2(VPS13A):c.3637A>G(I1213V) is a missense variant classified as a variant of uncertain significance in the context of VPS13A disease. I1213V has not been observed in cases with relevant disease. Relevant functional assessments of this variant are not available in the literature. I1213V has been observed in referenced population frequency databases. In summary, there is insufficient evidence to classify NM_033305.2(VPS13A):c.3637A>G(I1213V) as pathogenic or benign. Please note: this variant was assessed in the context of healthy population screening.

Ambry Genetics
Classification: Uncertain significance for Inborn genetic diseases. Last evaluated: 2025-03-03. Review status: criteria provided, single submitter. Criteria: Ambry Variant Classification Scheme 2023. Collection method: clinical testing. Allele origin: germline.

Athena Diagnostics
Classification: Uncertain significance. Last evaluated: 2019-02-01. Review status: criteria provided, single submitter. Criteria: Athena Diagnostics Criteria. Collection method: clinical testing. Allele origin: germline.

Natera, Inc.
Classification: Uncertain significance for Choreaacanthocytosis. Last evaluated: 2020-09-16. Review status: no assertion criteria provided. Collection method: clinical testing. Allele origin: germline. Not counted in ClinVar's aggregate classification.

NM_033305.3(VPS13A):c.3637A>G (p.Ile1213Val)

Gene: VPS13A (vacuolar protein sorting 13 homolog A; plus strand). Cytogenetic location: 9q21.2.
Variant type: single nucleotide variant.
Coding change: c.3637A>G on transcript NM_033305.3 (MANE Select); coding-DNA position 3637, A replaced by G.
Protein change: p.Ile1213Val; replaces isoleucine 1213 with valine.
Molecular consequence: missense variant.
Genome position (GRCh38, 1-based): chr9:77,295,671, A>G. VCF-style: chr9-77295671-A-G. GRCh37 (hg19) VCF-style: chr9-79910587-A-G.
Other names: c.3520A>G, p.Ile1174Val (NM_001018037.2); c.3637A>G, p.Ile1213Val (NM_001018038.3, NM_015186.4); short protein forms I1174V, I1213V.
Identifiers: ClinVar variation 805745 (VCV000805745.4), dbSNP rs1172751806, ClinGen allele CA373850116.